The following is an entry in ClinVar:

ClinVar aggregate classification (germline): Uncertain significance. Review status: criteria provided, multiple submitters, no conflicts (2 of 4 stars). 2 submissions from 2 submitters: Uncertain significance (2). Last evaluated 2023-01-09.

Conditions:
Hereditary spastic paraplegia 11. Also called: Spastic Paraplegia 11; SPASTIC PARAPLEGIA, AUTOSOMAL RECESSIVE, COMPLICATED, WITH THIN CORPUS CALLOSUM; SPASTIC PARAPLEGIA, AUTOSOMAL RECESSIVE, WITH MENTAL IMPAIRMENT AND THIN CORPUS CALLOSUM; Spastic paraplegia, mental retardation and thin corpus callosum; Nakamura Osame syndrome; Autosomal recessive hereditary spastic paraplegia, mental impairment, and thin corpus callosum. Identifiers: Orphanet 2822, MedGen C1858479, MONDO:0011445, OMIM 604360.

Allele frequency attached by ClinVar (database versions not stated): ExAC 0.00001; gnomAD exomes 0.00001 and 0.00002; TOPMed 0.00001; gnomAD 0.00002; ESP Exome Variant Server 0.00008.
gnomAD v4.1: 27 of 1,613,996 alleles (0.0017%); highest among the groups gnomAD compares: Non-Finnish European, 0.0022%; no homozygotes.

Submissions (2):

Athena Diagnostics
Classification: Uncertain significance. Last evaluated: 2023-01-09. Review status: criteria provided, single submitter. Criteria: Athena Diagnostics Criteria. Collection method: clinical testing. Allele origin: unknown.
Comment: Available data are insufficient to determine the clinical significance of the variant at this time. The frequency of this variant in the general population is uninformative in assessment of its pathogenicity. Computational tools disagree on the variant's effect on normal protein function.

Labcorp Genetics (formerly Invitae), Labcorp
Classification: Uncertain significance for Hereditary spastic paraplegia 11. Last evaluated: 2022-06-22. Review status: criteria provided, single submitter. Criteria: Invitae Variant Classification Sherloc (09022015). Collection method: clinical testing. Allele origin: germline.
Comment: This sequence change replaces alanine, which is neutral and non-polar, with valine, which is neutral and non-polar, at codon 2338 of the SPG11 protein (p.Ala2338Val). This variant is present in population databases (rs368902742, gnomAD 0.003%). This missense change has been observed in individual(s) with amyotrophic lateral sclerosis (PMID: 33589474). ClinVar contains an entry for this variant (Variation ID: 649111). Algorithms developed to predict the effect of missense changes on protein structure and function are either unavailable or do not agree on the potential impact of this missense change (SIFT: "Deleterious"; PolyPhen-2: "Possibly Damaging"; Align-GVGD: "Class C0"). In summary, the available evidence is currently insufficient to determine the role of this variant in disease. Therefore, it has been classified as a Variant of Uncertain Significance.

Literature cited by the submitters: PubMed 33589474 (cited by Athena Diagnostics and Labcorp Genetics (formerly Invitae), Labcorp).

NM_025137.4(SPG11):c.7013C>T (p.Ala2338Val)

Gene: SPG11 (SPG11 vesicle trafficking associated, spatacsin; minus strand). Cytogenetic location: 15q21.1.
Variant type: single nucleotide variant.
Coding change: c.7013C>T on transcript NM_025137.4 (MANE Select); coding-DNA position 7013, C replaced by T.
Protein change: p.Ala2338Val; replaces alanine 2338 with valine.
Molecular consequence: missense variant.
Genome position (GRCh38, 1-based): chr15:44,564,685, G>A on the plus strand (C>T on the coding strand, the complement: SPG11 is on the minus strand). VCF-style: chr15-44564685-G-A. GRCh37 (hg19) VCF-style: chr15-44856883-G-A.
Other names: c.6674C>T, p.Ala2225Val (NM_001160227.2); short protein forms A2338V, A2225V.
Identifiers: ClinVar variation 649111 (VCV000649111.6), dbSNP rs368902742, ClinGen allele CA7533922.
Genomic context (GRCh38, chr15:44,564,685, plus strand): 5'-TTAAGAATCACTTGCTGGTATAAAATTTCAGCCCAATCTGGAACAAAATCGTAGGCCTCA[G>A]CCACAATAGAAGCCTTAAAAGGAGAGGTGAAGAAGGACACCATCAGAGCCCATCTGATGT-3'
Protein context (NP_079413.3, residues 2328-2348): LPRFYQASIV[Ala2338Val]EAYDFVPDWA